The following is an entry in ClinVar:

NM_015512.5(DNAH1):c.4834G>A (p.Asp1612Asn)

Gene: DNAH1 (dynein axonemal heavy chain 1; plus strand). Cytogenetic location: 3p21.1.
Variant type: single nucleotide variant.
Coding change: c.4834G>A on transcript NM_015512.5 (MANE Select); coding-DNA position 4834, G replaced by A.
Protein change: p.Asp1612Asn; replaces aspartic acid 1612 with asparagine.
Molecular consequence: missense variant.
Genome position (GRCh38, 1-based): chr3:52,361,312, G>A. VCF-style: chr3-52361312-G-A. GRCh37 (hg19) VCF-style: chr3-52395328-G-A.
Other names: short protein forms D1612N.
Identifiers: ClinVar variation 4790770 (VCV004790770.1).

ClinVar aggregate classification (germline): Uncertain significance (1 of 4 stars; one submission).

Conditions:
Spermatogenic failure 18. Identifiers: MedGen C4539783, MONDO:0054615, OMIM 617576.
Ciliary dyskinesia, primary, 37 (CILD37). Also called: CILIARY DYSKINESIA, PRIMARY, 37, WITH OR WITHOUT SITUS INVERSUS. Identifiers: MedGen C4539798, MONDO:0033204, OMIM 617577.

gnomAD v4.1: 10 of 1,604,436 alleles (0.00062%); highest among the groups gnomAD compares: Admixed American, 0.0017%; no homozygotes.

Submission:

Labcorp Genetics (formerly Invitae), Labcorp
Classification: Uncertain significance for Ciliary dyskinesia, primary, 37; Spermatogenic failure 18. Last evaluated: 2025-08-31. Review status: criteria provided, single submitter. Criteria: Invitae Variant Classification Sherloc (09022015). Collection method: clinical testing. Allele origin: germline.
Comment: This sequence change replaces aspartic acid, which is acidic and polar, with asparagine, which is neutral and polar, at codon 1612 of the DNAH1 protein (p.Asp1612Asn). This variant is present in population databases (rs764485004, gnomAD 0.003%). This variant has not been reported in the literature in individuals affected with DNAH1-related conditions. Invitae Evidence Modeling of protein sequence and biophysical properties (such as structural, functional, and spatial information, amino acid conservation, physicochemical variation, residue mobility, and thermodynamic stability) has been performed for this missense variant. However, the output from this modeling did not meet the statistical confidence thresholds required to predict the impact of this variant on DNAH1 protein function. In summary, the available evidence is currently insufficient to determine the role of this variant in disease. Therefore, it has been classified as a Variant of Uncertain Significance.